The following is an entry in ClinVar:

NM_001042681.2(RERE):c.1053C>T (p.Asp351=)

Gene: RERE (arginine-glutamic acid dipeptide repeats; minus strand). Cytogenetic location: 1p36.23.
Variant type: single nucleotide variant.
Coding change: c.1053C>T on transcript NM_001042681.2 (MANE Select); coding-DNA position 1053, C replaced by T.
Protein change: p.Asp351=; no amino-acid change (aspartic acid 351 retained).
Molecular consequence: synonymous variant.
Genome position (GRCh38, 1-based): chr1:8,495,114, G>A on the plus strand (C>T on the coding strand, the complement: RERE is on the minus strand). VCF-style: chr1-8495114-G-A. GRCh37 (hg19) VCF-style: chr1-8555174-G-A.
Other names: c.1053C>T, p.Asp351= (NM_012102.4).
Identifiers: ClinVar variation 1576652 (VCV001576652.14), dbSNP rs150577340, ClinGen allele CA571890.

ClinVar aggregate classification (germline): Likely benign. Review status: criteria provided, multiple submitters, no conflicts (2 of 4 stars). 4 submissions from 4 submitters: Likely benign (4). Last evaluated 2026-01-01.

Allele frequency attached by ClinVar (database versions not stated): ExAC 0.00003; gnomAD exomes 0.00004; TOPMed 0.00004; gnomAD 0.00005; ESP Exome Variant Server 0.00008.
gnomAD v4.1: 66 of 1,613,772 alleles (0.0041%); highest among the groups gnomAD compares: Non-Finnish European, 0.0053%; no homozygotes.

Submissions (4):

CeGaT Center for Human Genetics Tuebingen
Classification: Likely benign. Last evaluated: 2026-01-01. Review status: criteria provided, single submitter. Criteria: CeGaT Center For Human Genetics Tuebingen Variant Classification Criteria Version 2. Collection method: clinical testing. Allele origin: germline. Affected: yes. Observed: 1 variant allele.
Comment: RERE: BP4, BP7

Laboratory of Genetics, Children's Clinical University Hospital Latvia
Classification: Likely benign. Last evaluated: 2025-02-16. Review status: criteria provided, single submitter. Criteria: ACMG Guidelines, 2015. Collection method: clinical testing. Allele origin: germline. Affected: yes.

Labcorp Genetics (formerly Invitae), Labcorp
Classification: Likely benign. Last evaluated: 2024-10-16. Review status: criteria provided, single submitter. Criteria: Invitae Variant Classification Sherloc (09022015). Collection method: clinical testing. Allele origin: germline.

Blueprint Genetics
Classification: Likely benign. Last evaluated: 2024-07-10. Review status: criteria provided, single submitter. Criteria: ACMG Guidelines, 2015. Collection method: clinical testing. Allele origin: germline.